The following is an entry in ClinVar:

NM_025114.4(CEP290):c.4078_4081del (p.Leu1359_Lys1360insTer)

Gene: CEP290 (centrosomal protein 290; minus strand). Cytogenetic location: 12q21.32.
Variant type: Deletion.
Coding change: c.4078_4081del on transcript NM_025114.4 (MANE Select); coding-DNA positions 4078 to 4081, 4 bases deleted (AAAC; older notation c.4078_4081delAAAC).
Protein change: p.Leu1359_Lys1360insTer.
Molecular consequence: nonsense.
Genome position (GRCh38, 1-based): chr12:88,087,893-88,087,896, GTTT deleted on the plus strand (AAAC on the coding strand, the reverse complement: CEP290 is on the minus strand). VCF-style (leftmost placement, unchanged base first): chr12-88087892-AGTTT-A. GRCh37 (hg19) VCF-style: chr12-88481669-AGTTT-A.
Identifiers: ClinVar variation 1076835 (VCV001076835.7), dbSNP rs2036717675, ClinGen allele CA2052917436.

ClinVar aggregate classification (germline): Pathogenic (1 of 4 stars; one submission).

Conditions:
Joubert syndrome. Also called: Familial aplasia of the vermis; CEREBELLOPARENCHYMAL DISORDER IV; JOUBERT-BOLTSHAUSER SYNDROME. Identifiers: Orphanet 475, MedGen C5979921, MONDO:0018772.
Meckel-Gruber syndrome. Also called: Dysencephalia splachnocystica; DYSENCEPHALIA SPLANCHNOCYSTICA; GRUBER SYNDROME. Identifiers: Orphanet 564, MedGen C0265215, MONDO:0018921.
Nephronophthisis. Also called: Juvenile Nephronophthisis. Identifiers: Orphanet 655, MedGen C0687120, MONDO:0019005, HP:0000090.

Allele frequency attached by ClinVar (database versions not stated): TOPMed below 0.00001.

Submission:

Labcorp Genetics (formerly Invitae), Labcorp
Classification: Pathogenic for Joubert syndrome; Meckel-Gruber syndrome; Nephronophthisis. Last evaluated: 2022-09-13. Review status: criteria provided, single submitter. Criteria: Invitae Variant Classification Sherloc (09022015). Collection method: clinical testing. Allele origin: germline.
Comment: For these reasons, this variant has been classified as Pathogenic. This sequence change creates a premature translational stop signal (p.Lys1360*) in the CEP290 gene. It is expected to result in an absent or disrupted protein product. Loss-of-function variants in CEP290 are known to be pathogenic (PMID: 16909394, 17345604, 20690115). This variant is not present in population databases (gnomAD no frequency). This variant has not been reported in the literature in individuals affected with CEP290-related conditions. ClinVar contains an entry for this variant (Variation ID: 1076835).

Literature cited by the submitters: PubMed 16909394; PubMed 17345604; PubMed 20690115.